The following is an entry in ClinVar:

ClinVar aggregate classification (germline): Uncertain significance. Review status: criteria provided, multiple submitters, no conflicts (2 of 4 stars). 4 submissions from 4 submitters: Uncertain significance (3). 1 of the submissions does not count toward it. Last evaluated 2024-06-18.

Conditions:
Cystinuria (CSNU). Also called: CYSTINURIA, TYPE I; CYSTINURIA, TYPE II; CYSTINURIA, TYPE III; Cystinuria, non-type I. Identifiers: Orphanet 214, MedGen C0010691, MONDO:0009067, OMIM 220100, HP:0003131.

Allele frequency attached by ClinVar (database versions not stated): gnomAD exomes 0.00001; TOPMed 0.00001; ExAC 0.00002; gnomAD 0.00001.
gnomAD v4.1: 15 of 1,613,934 alleles (0.00093%); highest among the groups gnomAD compares: Middle Eastern, 0.049%; no homozygotes.

Submissions (4):

Fulgent Genetics
Classification: Uncertain significance for Cystinuria. Last evaluated: 2024-06-18. Review status: criteria provided, single submitter. Criteria: ACMG Guidelines, 2015. Collection method: clinical testing. Allele origin: germline.

CeGaT Center for Human Genetics Tuebingen
Classification: Uncertain significance. Last evaluated: 2023-11-01. Review status: criteria provided, single submitter. Criteria: CeGaT Center For Human Genetics Tuebingen Variant Classification Criteria Version 2. Collection method: clinical testing. Allele origin: germline. Affected: yes. Observed: 1 variant allele.
Comment: SLC3A1: PM2

Genomic Research Center, Shahid Beheshti University of Medical Sciences
Classification: Uncertain significance. Last evaluated: 2020-05-03. Review status: criteria provided, single submitter. Criteria: ACMG Guidelines, 2015. Collection method: clinical testing. Allele origin: unknown. Affected: no.

OMIM
Classification: Pathogenic for CYSTINURIA. Last evaluated: 1994-04-01. Review status: no assertion criteria provided. Collection method: literature only. Allele origin: germline. Not counted in ClinVar's aggregate classification.

Literature cited by the submitters: PubMed 8054986 (cited by OMIM).

NM_000341.4(SLC3A1):c.1843C>A (p.Pro615Thr)

Genes: PREPL (prolyl endopeptidase like; minus strand), SLC3A1 (solute carrier family 3 member 1; plus strand). Cytogenetic location: 2p21.
Variant type: single nucleotide variant.
Coding change: c.1843C>A on transcript NM_000341.4 (MANE Select); coding-DNA position 1843, C replaced by A.
Protein change: p.Pro615Thr; replaces proline 615 with threonine.
Molecular consequence: missense variant. On other transcripts: 3 prime UTR variant (10).
Genome position (GRCh38, 1-based): chr2:44,320,424, C>A. VCF-style: chr2-44320424-C-A. GRCh37 (hg19) VCF-style: chr2-44547563-C-A.
Other names: c.*932G>T (NM_001042385.2, NM_001042386.2, NM_001171603.1 and 7 more transcripts); short protein forms P615T.
Identifiers: ClinVar variation 18120 (VCV000018120.28), dbSNP rs121912696, ClinGen allele CA127835.
Genomic context (GRCh38, chr2:44,320,424, plus strand): 5'-GTGGTTCTGAATTTTGGAGAATCAACACTGTTAAATCTACATAATATGATTTCGGGCCTT[C>A]CCGCTAAAATGAGAATAAGGTTAAGTACCAATTCTGCCGACAAAGGCAGTAAAGTTGATA-3'
Protein context (NP_000332.2, residues 605-625): LNLHNMISGL[Pro615Thr]AKMRIRLSTN